The following is an entry in ClinVar:

ClinVar aggregate classification (germline): Likely benign (1 of 4 stars; one submission).

Allele frequency attached by ClinVar (database versions not stated): ESP Exome Variant Server 0.00109; TOPMed 0.00112; gnomAD exomes 0.00192; ExAC 0.00230; 1000 Genomes Project 0.00240; 1000 Genomes Project 30x 0.00359.
gnomAD v4.1: 3,000 of 1,614,090 alleles (0.19%); highest among the groups gnomAD compares: South Asian, 0.96%; 11 homozygotes.

Submission:

CeGaT Center for Human Genetics Tuebingen
Classification: Likely benign. Last evaluated: 2023-03-01. Review status: criteria provided, single submitter. Criteria: CeGaT Center For Human Genetics Tuebingen Variant Classification Criteria Version 2. Collection method: clinical testing. Allele origin: germline. Affected: yes. Observed: 2 variant alleles.
Comment: ATP2C2: BS2

NM_014861.4(ATP2C2):c.1123G>A (p.Val375Ile)

Gene: ATP2C2 (ATPase secretory pathway Ca2+ transporting 2; plus strand). Cytogenetic location: 16q24.1.
Variant type: single nucleotide variant.
Coding change: c.1123G>A on transcript NM_014861.4 (MANE Select); coding-DNA position 1123, G replaced by A.
Protein change: p.Val375Ile; replaces valine 375 with isoleucine.
Molecular consequence: missense variant.
Genome position (GRCh38, 1-based): chr16:84,439,438, G>A. VCF-style: chr16-84439438-G-A. GRCh37 (hg19) VCF-style: chr16-84473044-G-A.
Other names: c.1123G>A, p.Val375Ile (NM_001286527.3); c.670G>A, p.Val224Ile (NM_001291454.2); short protein forms V224I, V375I.
Identifiers: ClinVar variation 2646919 (VCV002646919.24), dbSNP rs202026876, ClinGen allele CA8207199.